The following is an entry in ClinVar:

ClinVar aggregate classification (germline): Likely benign (0 of 4 stars; one submission).

Conditions:
KDM3A-related disorder. Also called: KDM3A-related condition.

Allele frequency attached by ClinVar (database versions not stated): gnomAD 0.00013; gnomAD exomes 0.00014; TOPMed 0.00038; ExAC 0.00062.
gnomAD v4.1: 223 of 1,612,906 alleles (0.014%); highest among the groups gnomAD compares: Admixed American, 0.37%; 2 homozygotes.

Submission:

PreventionGenetics, part of Exact Sciences
Classification: Likely benign for KDM3A-related condition. Last evaluated: 2019-07-15. Review status: no assertion criteria provided. Collection method: clinical testing. Allele origin: germline.
Comment: This variant is classified as likely benign based on ACMG/AMP sequence variant interpretation guidelines (Richards et al. 2015 PMID: 25741868, with internal and published modifications).

NM_018433.6(KDM3A):c.921A>G (p.Ala307=)

Gene: KDM3A (lysine demethylase 3A; plus strand). Cytogenetic location: 2p11.2.
Variant type: single nucleotide variant.
Coding change: c.921A>G on transcript NM_018433.6 (MANE Select); coding-DNA position 921, A replaced by G.
Protein change: p.Ala307=; no amino-acid change (alanine 307 retained).
Molecular consequence: synonymous variant.
Genome position (GRCh38, 1-based): chr2:86,464,130, A>G. VCF-style: chr2-86464130-A-G. GRCh37 (hg19) VCF-style: chr2-86691253-A-G.
Other names: c.921A>G, p.Ala307= (NM_001146688.2).
Identifiers: ClinVar variation 3049334 (VCV003049334.2), dbSNP rs769713981, ClinGen allele CA1749253.
Genomic context (GRCh38, chr2:86,464,130, plus strand): 5'-TCCTGTGCAGTCTGTACCTACAACAGTTTTTAAGGAGATACTGCTTGGCTGTACTGCGGC[A>G]ACTCCACCTAGTAAGGACCCAAGACAGCAAAGTACTCCCCAGGCTGCCAACTCTCCACCT-3'
Protein context (NP_060903.2, residues 297-317): FKEILLGCTA[Ala307=]TPPSKDPRQQ